The following is an entry in ClinVar:

ClinVar aggregate classification (germline): Uncertain significance. Review status: criteria provided, multiple submitters, no conflicts (2 of 4 stars). 5 submissions from 5 submitters: Uncertain significance (4). 1 of the submissions does not count toward it. Last evaluated 2025-12-23.

Conditions:
Hereditary cancer-predisposing syndrome. Also called: Neoplastic Syndromes, Hereditary; Hereditary Cancer Syndrome; Tumor predisposition; Hereditary neoplastic syndrome. Identifiers: Orphanet 140162, MedGen C0027672, MeSH D009386, MONDO:0015356.
Ataxia-telangiectasia syndrome (AT). Also called: LOUIS-BAR SYNDROME; Cerebello-oculocutaneous telangiectasia; Immunodeficiency with ataxia telangiectasia; Ataxia-telangiectasia, complementation group D; AT, COMPLEMENTATION GROUP C; Ataxia-telangiectasia, complementation group E. Identifiers: Orphanet 100, MedGen C0004135, MONDO:0008840, OMIM 208900.
Familial cancer of breast. Also called: Hereditary breast cancer; BREAST CANCER, FAMILIAL; hereditary breast carcinoma. Identifiers: Orphanet 227535, MedGen C0346153, MONDO:0016419, OMIM 114480. Disease mechanism: loss of function.

Allele frequency attached by ClinVar (database versions not stated): TOPMed 0.00002; gnomAD 0.00001.
gnomAD v4.1: 2 of 1,614,048 alleles (0.00012%); highest among the groups gnomAD compares: African/African-American, 0.0027%; no homozygotes.

Submissions (5):

Labcorp Genetics (formerly Invitae), Labcorp
Classification: Uncertain significance for Ataxia-telangiectasia syndrome. Last evaluated: 2025-12-23. Review status: criteria provided, single submitter. Criteria: Invitae Variant Classification Sherloc (09022015). Collection method: clinical testing. Allele origin: germline.
Comment: This sequence change replaces methionine, which is neutral and non-polar, with threonine, which is neutral and polar, at codon 2041 of the ATM protein (p.Met2041Thr). This variant is not present in population databases (gnomAD no frequency). This variant has not been reported in the literature in individuals affected with ATM-related conditions. ClinVar contains an entry for this variant (Variation ID: 421279). Invitae Evidence Modeling of protein sequence and biophysical properties (such as structural, functional, and spatial information, amino acid conservation, physicochemical variation, residue mobility, and thermodynamic stability) indicates that this missense variant is not expected to disrupt ATM protein function with a negative predictive value of 95%. In summary, the available evidence is currently insufficient to determine the role of this variant in disease. Therefore, it has been classified as a Variant of Uncertain Significance.

GeneDx
Classification: Uncertain significance. Last evaluated: 2024-09-06. Review status: criteria provided, single submitter. Criteria: GeneDx Variant Classification Process June 2021. Collection method: clinical testing. Allele origin: germline. Affected: yes.
Comment: Not observed at significant frequency in large population cohorts (gnomAD); In silico analysis indicates that this missense variant does not alter protein structure/function; Has not been previously published as pathogenic or benign to our knowledge; This variant is associated with the following publications: (PMID: 23532176)

Ambry Genetics
Classification: Uncertain significance for Hereditary cancer-predisposing syndrome. Last evaluated: 2024-05-16. Review status: criteria provided, single submitter. Criteria: Ambry Variant Classification Scheme 2023. Collection method: clinical testing. Allele origin: germline.
Comment: The p.M2041T variant (also known as c.6122T>C), located in coding exon 41 of the ATM gene, results from a T to C substitution at nucleotide position 6122. The methionine at codon 2041 is replaced by threonine, an amino acid with similar properties. This amino acid position is not well conserved in available vertebrate species. In addition, this alteration is predicted to be tolerated by in silico analysis. Since supporting evidence is limited at this time, the clinical significance of this alteration remains unclear.

Baylor Genetics
Classification: Uncertain significance for Familial cancer of breast. Last evaluated: 2023-10-30. Review status: criteria provided, single submitter. Criteria: ACMG Guidelines, 2015. Collection method: clinical testing. Allele origin: unknown.

Natera, Inc.
Classification: Uncertain significance for Ataxia-telangiectasia. Last evaluated: 2021-08-24. Review status: no assertion criteria provided. Collection method: clinical testing. Allele origin: germline. Not counted in ClinVar's aggregate classification.

NM_000051.4(ATM):c.6122T>C (p.Met2041Thr)

Genes: ATM (ATM serine/threonine kinase; plus strand), C11orf65 (chromosome 11 open reading frame 65; minus strand). Cytogenetic location: 11q22.3.
Variant type: single nucleotide variant.
Coding change: c.6122T>C on transcript NM_000051.4 (MANE Select); coding-DNA position 6122, T replaced by C.
Protein change: p.Met2041Thr; replaces methionine 2041 with threonine.
Molecular consequence: missense variant. On other transcripts: intron variant (2).
Genome position (GRCh38, 1-based): chr11:108,316,037, T>C. VCF-style: chr11-108316037-T-C. GRCh37 (hg19) VCF-style: chr11-108186764-T-C.
Other names: c.6122T>C, p.Met2041Thr (NM_001351834.2); c.641-6966A>G (NM_001330368.2); c.*39-6966A>G (NM_001351110.2); short protein forms M2041T.
Identifiers: ClinVar variation 421279 (VCV000421279.33), dbSNP rs1000032847, ClinGen allele CA16619208.